The following is an entry in ClinVar:

NM_000283.4(PDE6B):c.1426G>A (p.Glu476Lys)

Gene: PDE6B (phosphodiesterase 6B; plus strand). Cytogenetic location: 4p16.3.
Variant type: single nucleotide variant.
Coding change: c.1426G>A on transcript NM_000283.4 (MANE Select); coding-DNA position 1426, G replaced by A.
Protein change: p.Glu476Lys; replaces glutamic acid 476 with lysine.
Molecular consequence: missense variant.
Genome position (GRCh38, 1-based): chr4:658,976, G>A. VCF-style: chr4-658976-G-A. GRCh37 (hg19) VCF-style: chr4-652765-G-A.
Other names: c.1426G>A, p.Glu476Lys (NM_001145291.2); c.589G>A, p.Glu197Lys (NM_001145292.2, NM_001350154.3, NM_001379246.1 and 1 more transcripts); c.271G>A, p.Glu91Lys (NM_001350155.3); short protein forms E476K, E197K, E91K.
Identifiers: ClinVar variation 349379 (VCV000349379.15), dbSNP rs746783836, ClinGen allele CA2794516.
Genomic context (GRCh38, chr4:658,976, plus strand): 5'-AGCTCTTTCTCGTGACACATCTGTGTCTCTGTGTAGCCAACCAGAGCGCGCCTGGGGAAG[G>A]AGCCTGCTGACTGCGATGAGGACGAGCTGGGCGAAATCCTGGTAAGAACCTTGCTCCCGT-3'
Protein context (NP_000274.3, residues 466-486): ILPTRARLGK[Glu476Lys]PADCDEDELG

ClinVar aggregate classification (germline): Uncertain significance. Review status: criteria provided, multiple submitters, no conflicts (2 of 4 stars). 5 submissions from 4 submitters: Uncertain significance (5). Last evaluated 2025-05-22.

Conditions:
Retinitis pigmentosa (RP). Identifiers: Orphanet 791, MedGen C0035334, MeSH D012174, MONDO:0019200, OMIM 268000. Inheritance: Autosomal dominant, autosomal recessive and X linked inheritance.
PDE6B-related disorder. Also called: PDE6B-related disorders; PDE6B-related disease; PDE6B-related condition.
Congenital stationary night blindness autosomal dominant 2. Also called: NIGHT BLINDNESS, CONGENITAL STATIONARY, RAMBUSCH TYPE. Identifiers: Orphanet 215, MedGen C1876182, MONDO:0008099, OMIM 163500.

Allele frequency attached by ClinVar (database versions not stated): TOPMed 0.00001; gnomAD exomes 0.00002 and 0.00004; ExAC 0.00003; gnomAD 0.00003.
gnomAD v4.1: 30 of 1,613,530 alleles (0.0019%); highest among the groups gnomAD compares: Non-Finnish European, 0.0025%; no homozygotes.

Submissions (5):

PreventionGenetics, part of Exact Sciences
Classification: Uncertain significance for PDE6B-related condition. Last evaluated: 2025-05-22. Review status: criteria provided, single submitter. Criteria: ACMG Guidelines, 2015. Collection method: clinical testing. Allele origin: germline.
Comment: The PDE6B c.1426G>A variant is predicted to result in the amino acid substitution p.Glu476Lys. To our knowledge, this variant has not been reported in the literature. This variant is reported in 0.0086% of alleles in individuals of European (Non-Finnish) descent in gnomAD. At this time, the clinical significance of this variant is uncertain due to the absence of conclusive functional and genetic evidence.

Blueprint Genetics
Classification: Uncertain significance. Last evaluated: 2022-11-03. Review status: criteria provided, single submitter. Criteria: ACMG Guidelines, 2015. Collection method: clinical testing. Allele origin: germline.

Labcorp Genetics (formerly Invitae), Labcorp
Classification: Uncertain significance. Last evaluated: 2022-02-24. Review status: criteria provided, single submitter. Criteria: Invitae Variant Classification Sherloc (09022015). Collection method: clinical testing. Allele origin: germline.
Comment: In summary, the available evidence is currently insufficient to determine the role of this variant in disease. Therefore, it has been classified as a Variant of Uncertain Significance. Algorithms developed to predict the effect of missense changes on protein structure and function are either unavailable or do not agree on the potential impact of this missense change (SIFT: "Deleterious"; PolyPhen-2: "Probably Damaging"; Align-GVGD: "Class C0"). ClinVar contains an entry for this variant (Variation ID: 349379). This variant has not been reported in the literature in individuals affected with PDE6B-related conditions. This variant is present in population databases (rs746783836, gnomAD 0.009%). This sequence change replaces glutamic acid, which is acidic and polar, with lysine, which is basic and polar, at codon 476 of the PDE6B protein (p.Glu476Lys).

Illumina Laboratory Services, Illumina
Classification: Uncertain significance for Retinitis pigmentosa. Last evaluated: 2018-01-13. Review status: criteria provided, single submitter. Criteria: ICSL Variant Classification Criteria 13 December 2019. Collection method: clinical testing. Allele origin: germline.

Illumina Laboratory Services, Illumina
Classification: Uncertain significance for Congenital stationary night blindness autosomal dominant 2. Last evaluated: 2018-01-13. Review status: criteria provided, single submitter. Criteria: ICSL Variant Classification Criteria 13 December 2019. Collection method: clinical testing. Allele origin: germline.